The following is an entry in ClinVar:

ClinVar aggregate classification (germline): Uncertain significance (1 of 4 stars; one submission).

Conditions:
Sandhoff disease. Also called: GM2-GANGLIOSIDOSIS, TYPE II; HEXOSAMINIDASES A AND B DEFICIENCY; Beta-hexosaminidase-beta-subunit deficiency; GM2 gangliosidosis, type 2; Total hexosaminidase deficiency; Sandhoff-Jatzkewitz-Pilz disease. Identifiers: Orphanet 796, MedGen C0036161, MONDO:0010006, OMIM 268800.

Allele frequency attached by ClinVar (database versions not stated): ExAC 0.00001.
gnomAD v4.1: 3 of 1,598,226 alleles (0.00019%); highest among the groups gnomAD compares: Admixed American, 0.0017%; no homozygotes.

Submission:

Labcorp Genetics (formerly Invitae), Labcorp
Classification: Uncertain significance for Sandhoff disease. Last evaluated: 2022-07-19. Review status: criteria provided, single submitter. Criteria: Invitae Variant Classification Sherloc (09022015). Collection method: clinical testing. Allele origin: germline.
Comment: This sequence change falls in intron 10 of the HEXB gene. It does not directly change the encoded amino acid sequence of the HEXB protein. It affects a nucleotide within the consensus splice site. This variant is present in population databases (rs778226392, gnomAD 0.003%). In summary, the available evidence is currently insufficient to determine the role of this variant in disease. Therefore, it has been classified as a Variant of Uncertain Significance. Variants that disrupt the consensus splice site are a relatively common cause of aberrant splicing (PMID: 17576681, 9536098). Algorithms developed to predict the effect of sequence changes on RNA splicing suggest that this variant is not likely to affect RNA splicing. This variant has not been reported in the literature in individuals affected with HEXB-related conditions.

Literature cited by the submitters: PubMed 17576681; PubMed 9536098.

NM_000521.4(HEXB):c.1242+3G>A

Gene: HEXB (hexosaminidase subunit beta; plus strand). Cytogenetic location: 5q13.3.
Variant type: single nucleotide variant.
Coding change: c.1242+3G>A on transcript NM_000521.4 (MANE Select); 3 bases into the intron after coding-DNA position 1242, G replaced by A.
Molecular consequence: intron variant.
Genome position (GRCh38, 1-based): chr5:74,718,366, G>A. VCF-style: chr5-74718366-G-A. GRCh37 (hg19) VCF-style: chr5-74014191-G-A.
Other names: c.567+3G>A (NM_001292004.2).
Identifiers: ClinVar variation 1950086 (VCV001950086.5), dbSNP rs778226392, ClinGen allele CA3306071.